The following is an entry in ClinVar:

NM_005159.5(ACTC1):c.694G>A (p.Ala232Thr)

Genes: ACTC1 (actin alpha cardiac muscle 1; minus strand), GJD2-DT (GJD2 divergent transcript; plus strand). Cytogenetic location: 15q14.
Variant type: single nucleotide variant.
Coding change: c.694G>A on transcript NM_005159.5 (MANE Select); coding-DNA position 694, G replaced by A.
Protein change: p.Ala232Thr; replaces alanine 232 with threonine.
Molecular consequence: missense variant.
Genome position (GRCh38, 1-based): chr15:34,792,204, C>T on the plus strand (G>A on the coding strand, the complement: ACTC1 is on the minus strand). VCF-style: chr15-34792204-C-T. GRCh37 (hg19) VCF-style: chr15-35084405-C-T.
Other names: c.694G>A (LRG_388t1); short protein forms A232T.
Identifiers: ClinVar variation 430202 (VCV000430202.3), dbSNP rs1131691829, ClinGen allele CA391630518.

ClinVar aggregate classification (germline): Uncertain significance (1 of 4 stars; one submission).

Submission:

GeneDx
Classification: Uncertain significance. Last evaluated: 2025-08-23. Review status: criteria provided, single submitter. Criteria: GeneDx Variant Classification Process June 2021. Collection method: clinical testing. Allele origin: germline. Affected: yes.
Comment: Apparently de novo variant in a patient with hypertrophic cardiomyopathy in the published literature; however, detailed clinical information was not provided (PMID: 31912959); Not observed at significant frequency in large population cohorts (gnomAD); In silico analysis suggests that this missense variant does not alter protein structure/function; This variant is associated with the following publications: (PMID: Lee2024[article], 30762279, 31912959)